The following is an entry in ClinVar:

ClinVar aggregate classification (germline): Uncertain significance. Review status: criteria provided, multiple submitters, no conflicts (2 of 4 stars). 2 submissions from 2 submitters: Uncertain significance (2). Last evaluated 2023-08-18.

Conditions:
Glycogen storage disease type III (GSD3). Also called: Cori disease; FORBES DISEASE. Identifiers: Orphanet 366, MedGen C0017922, MONDO:0009291, OMIM 232400.

Allele frequency attached by ClinVar (database versions not stated): gnomAD exomes below 0.00001.
gnomAD v4.1: 1 of 1,614,084 alleles (0.000062%); highest among the groups gnomAD compares: Non-Finnish European, 0.000085%; no homozygotes.

Submissions (2):

Blueprint Genetics
Classification: Uncertain significance. Last evaluated: 2023-08-18. Review status: criteria provided, single submitter. Criteria: ACMG Guidelines, 2015. Collection method: clinical testing. Allele origin: germline.

Labcorp Genetics (formerly Invitae), Labcorp
Classification: Uncertain significance for Glycogen storage disease type III. Last evaluated: 2021-12-18. Review status: criteria provided, single submitter. Criteria: Invitae Variant Classification Sherloc (09022015). Collection method: clinical testing. Allele origin: germline.
Comment: This sequence change replaces lysine, which is basic and polar, with asparagine, which is neutral and polar, at codon 135 of the AGL protein (p.Lys135Asn). This variant is not present in population databases (gnomAD no frequency). This variant has not been reported in the literature in individuals affected with AGL-related conditions. Algorithms developed to predict the effect of missense changes on protein structure and function are either unavailable or do not agree on the potential impact of this missense change (SIFT: "Deleterious"; PolyPhen-2: "Probably Damaging"; Align-GVGD: "Class C0"). In summary, the available evidence is currently insufficient to determine the role of this variant in disease. Therefore, it has been classified as a Variant of Uncertain Significance.

NM_000642.3(AGL):c.405G>C (p.Lys135Asn)

Gene: AGL (amylo-alpha-1,6-glucosidase and 4-alpha-glucanotransferase; plus strand). Cytogenetic location: 1p21.2.
Variant type: single nucleotide variant.
Coding change: c.405G>C on transcript NM_000642.3 (MANE Select); coding-DNA position 405, G replaced by C.
Protein change: p.Lys135Asn; replaces lysine 135 with asparagine.
Molecular consequence: missense variant.
Genome position (GRCh38, 1-based): chr1:99,862,368, G>C. VCF-style: chr1-99862368-G-C. GRCh37 (hg19) VCF-style: chr1-100327924-G-C.
Other names: c.405G>C, p.Lys135Asn (NM_000028.3, NM_000643.3, NM_000644.3 and 5 more transcripts); c.357G>C, p.Lys119Asn (NM_000646.3); short protein forms K135N, K119N.
Identifiers: ClinVar variation 2048199 (VCV002048199.2), dbSNP rs1650119180, ClinGen allele CA341332135.